The following is an entry in ClinVar:

NM_000388.4(CASR):c.551T>G (p.Leu184Arg)

Gene: CASR (calcium sensing receptor; plus strand). Cytogenetic location: 3q21.1.
Variant type: single nucleotide variant.
Coding change: c.551T>G on transcript NM_000388.4 (MANE Select); coding-DNA position 551, T replaced by G.
Protein change: p.Leu184Arg; replaces leucine 184 with arginine.
Molecular consequence: missense variant.
Genome position (GRCh38, 1-based): chr3:122,261,586, T>G. VCF-style: chr3-122261586-T-G. GRCh37 (hg19) VCF-style: chr3-121980433-T-G.
Other names: c.551T>G, p.Leu184Arg (NM_001178065.2); short protein forms L184R.
Identifiers: ClinVar variation 2951593 (VCV002951593.3), dbSNP rs1553766716, ClinGen allele CA354150834.

ClinVar aggregate classification (germline): Uncertain significance (1 of 4 stars; one submission).

Conditions:
Autosomal dominant hypocalcemia 1 (HYPOC1). Also called: HYPOCALCEMIA, FAMILIAL. Identifiers: MedGen C3715128, MONDO:0011013, OMIM 601198.
Familial hypocalciuric hypercalcemia (FHH). Also called: Familial benign hypercalcemia. Identifiers: Orphanet 405, MedGen C1809471, MONDO:0018458.

Submission:

Labcorp Genetics (formerly Invitae), Labcorp
Classification: Uncertain significance for Familial hypocalciuric hypercalcemia; Autosomal dominant hypocalcemia 1. Last evaluated: 2024-06-10. Review status: criteria provided, single submitter. Criteria: Invitae Variant Classification Sherloc (09022015). Collection method: clinical testing. Allele origin: germline.
Comment: This sequence change replaces leucine, which is neutral and non-polar, with arginine, which is basic and polar, at codon 184 of the CASR protein (p.Leu184Arg). This variant is not present in population databases (gnomAD no frequency). This variant has not been reported in the literature in individuals affected with CASR-related conditions. An algorithm developed to predict the effect of missense changes on protein structure and function (PolyPhen-2) suggests that this variant is likely to be disruptive. In summary, the available evidence is currently insufficient to determine the role of this variant in disease. Therefore, it has been classified as a Variant of Uncertain Significance.